The following is an entry in ClinVar:

ClinVar aggregate classification (germline): Pathogenic (1 of 4 stars; one submission).

Conditions:
Hyper-IgE recurrent infection syndrome 3, autosomal recessive. Also called: Autosomal recessive hyper-IgE syndrome due to ZNF341 deficiency; HYPER-IgE SYNDROME 3, AUTOSOMAL RECESSIVE, WITH RECURRENT INFECTIONS. Identifiers: Orphanet 641368, MedGen C4748969, MONDO:0032654, OMIM 618282.

Submission:

Labcorp Genetics (formerly Invitae), Labcorp
Classification: Pathogenic for Combined immunodeficiency due to DOCK8 deficiency. Last evaluated: 2023-02-01. Review status: criteria provided, single submitter. Criteria: Invitae Variant Classification Sherloc (09022015). Collection method: clinical testing. Allele origin: germline.
Comment: For these reasons, this variant has been classified as Pathogenic. This variant has not been reported in the literature in individuals affected with DOCK8-related conditions. This variant is a gross deletion of the genomic region encompassing exon(s) 1-15 of the DOCK8 gene, which includes the initiator codon. This deletion extends beyond the assayed region for this gene and therefore may encompass additional genes. It is expected to result in an absent or disrupted protein product. Loss-of-function variants in DOCK8 are known to be pathogenic (PMID: 14722525, 19776401).

Literature cited by the submitters: PubMed 14722525; PubMed 19776401.

NC_000009.11:g.(?_214977)_(368155_?)del

Genes: DOCK8 (dedicator of cytokinesis 8; plus strand), DOCK8-AS1 (DOCK8 antisense RNA 1; minus strand). Cytogenetic location: 9p24.3.
Variant type: Deletion.
Identifiers: ClinVar variation 2427692 (VCV002427692.8).